The following is an entry in ClinVar:

ClinVar aggregate classification (germline): Uncertain significance (1 of 4 stars; one submission).

Allele frequency attached by ClinVar (database versions not stated): gnomAD exomes below 0.00001; gnomAD 0.00001; TOPMed 0.00001.
gnomAD v4.1: 2 of 1,609,362 alleles (0.00012%); highest among the groups gnomAD compares: African/African-American, 0.0013%; no homozygotes.

Submission:

Labcorp Genetics (formerly Invitae), Labcorp
Classification: Uncertain significance. Last evaluated: 2023-03-12. Review status: criteria provided, single submitter. Criteria: Invitae Variant Classification Sherloc (09022015). Collection method: clinical testing. Allele origin: germline.
Comment: Advanced modeling of protein sequence and biophysical properties (such as structural, functional, and spatial information, amino acid conservation, physicochemical variation, residue mobility, and thermodynamic stability) performed at Invitae indicates that this missense variant is expected to disrupt SPTBN2 protein function. This variant has not been reported in the literature in individuals affected with SPTBN2-related conditions. This variant is not present in population databases (gnomAD no frequency). This sequence change replaces arginine, which is basic and polar, with tryptophan, which is neutral and slightly polar, at codon 465 of the SPTBN2 protein (p.Arg465Trp). In summary, the available evidence is currently insufficient to determine the role of this variant in disease. Therefore, it has been classified as a Variant of Uncertain Significance.

NM_006946.4(SPTBN2):c.1393C>T (p.Arg465Trp)

Gene: SPTBN2 (spectrin beta, non-erythrocytic 2; minus strand). Cytogenetic location: 11q13.2.
Variant type: single nucleotide variant.
Coding change: c.1393C>T on transcript NM_006946.4 (MANE Select); coding-DNA position 1393, C replaced by T.
Protein change: p.Arg465Trp; replaces arginine 465 with tryptophan.
Molecular consequence: missense variant.
Genome position (GRCh38, 1-based): chr11:66,707,776, G>A on the plus strand (C>T on the coding strand, the complement: SPTBN2 is on the minus strand). VCF-style: chr11-66707776-G-A. GRCh37 (hg19) VCF-style: chr11-66475247-G-A.
Other names: c.1414C>T, p.Arg472Trp (NM_001411025.1); short protein forms R465W, R472W.
Identifiers: ClinVar variation 3013813 (VCV003013813.3), dbSNP rs1017538609, ClinGen allele CA224089973.